The following is an entry in ClinVar:

NM_000143.4(FH):c.428C>A (p.Thr143Asn)

Gene: FH (fumarate hydratase; minus strand). Cytogenetic location: 1q43.
Variant type: single nucleotide variant.
Coding change: c.428C>A on transcript NM_000143.4 (MANE Select); coding-DNA position 428, C replaced by A.
Protein change: p.Thr143Asn; replaces threonine 143 with asparagine.
Molecular consequence: missense variant.
Genome position (GRCh38, 1-based): chr1:241,512,094, G>T on the plus strand (C>A on the coding strand, the complement: FH is on the minus strand). VCF-style: chr1-241512094-G-T. GRCh37 (hg19) VCF-style: chr1-241675394-G-T.
Other names: short protein forms T143N.
Identifiers: ClinVar variation 5021717 (VCV005021717.1).

ClinVar aggregate classification (germline): Uncertain significance (1 of 4 stars; one submission).

Conditions:
Hereditary cancer-predisposing syndrome. Also called: Neoplastic Syndromes, Hereditary; Tumor predisposition; Hereditary neoplastic syndrome; Hereditary Cancer Syndrome. Identifiers: Orphanet 140162, MedGen C0027672, MeSH D009386, MONDO:0015356.

Submission:

Ambry Genetics
Classification: Uncertain significance for Hereditary cancer-predisposing syndrome. Last evaluated: 2026-07-02. Review status: criteria provided, single submitter. Criteria: Ambry Variant Classification Scheme 2023. Collection method: clinical testing. Allele origin: germline.
Comment: The p.T143N variant (also known as c.428C>A), located in coding exon 4 of the FH gene, results from a C to A substitution at nucleotide position 428. The threonine at codon 143 is replaced by asparagine, an amino acid with similar properties. This amino acid position is conserved. In addition, this alteration is predicted to be deleterious by in silico analysis. Based on the available evidence, the clinical significance of this variant remains unclear.